The following is an entry in ClinVar:

ClinVar aggregate classification (germline): Uncertain significance (1 of 4 stars; one submission).

Conditions:
Perlman syndrome (PRLMNS). Identifiers: Orphanet 2849, MedGen C0796113, MONDO:0009965, OMIM 267000.

Submission:

Labcorp Genetics (formerly Invitae), Labcorp
Classification: Uncertain significance for Perlman syndrome. Last evaluated: 2022-12-04. Review status: criteria provided, single submitter. Criteria: Invitae Variant Classification Sherloc (09022015). Collection method: clinical testing. Allele origin: germline.
Comment: In summary, the available evidence is currently insufficient to determine the role of this variant in disease. Therefore, it has been classified as a Variant of Uncertain Significance. This sequence change falls in intron 5 of the DIS3L2 gene. It does not directly change the encoded amino acid sequence of the DIS3L2 protein. It affects a nucleotide within the consensus splice site. This variant is not present in population databases (gnomAD no frequency). This variant has not been reported in the literature in individuals affected with DIS3L2-related conditions. Variants that disrupt the consensus splice site are a relatively common cause of aberrant splicing (PMID: 17576681, 9536098). Algorithms developed to predict the effect of sequence changes on RNA splicing suggest that this variant is not likely to affect RNA splicing.

Literature cited by the submitters: PubMed 17576681; PubMed 9536098.

NM_152383.5(DIS3L2):c.366+5G>A

Gene: DIS3L2 (DIS3 like 3'-5' exoribonuclease 2; plus strand). Cytogenetic location: 2q37.1.
Variant type: single nucleotide variant.
Coding change: c.366+5G>A on transcript NM_152383.5 (MANE Select); 5 bases into the intron after coding-DNA position 366, G replaced by A.
Molecular consequence: intron variant.
Genome position (GRCh38, 1-based): chr2:232,030,085, G>A. VCF-style: chr2-232030085-G-A. GRCh37 (hg19) VCF-style: chr2-232894795-G-A.
Other names: c.366+5G>A (NM_001257281.2, NM_001257282.2).
Identifiers: ClinVar variation 2797247 (VCV002797247.3), dbSNP rs2469623854, ClinGen allele CA2577276103.